The following is an entry in ClinVar:

ClinVar aggregate classification (germline): Pathogenic (1 of 4 stars; one submission).

Conditions:
Dworschak-Punetha neurodevelopmental syndrome (DWOPNED). Identifiers: MedGen C5677017, MONDO:0859260, OMIM 619955.

Submission:

Victorian Clinical Genetics Services, Murdoch Childrens Research Institute
Classification: Pathogenic for Dworschak-Punetha neurodevelopmental syndrome. Last evaluated: 2024-11-28. Review status: criteria provided, single submitter. Criteria: ACMG Guidelines, 2015. Collection method: clinical testing. Allele origin: germline. Affected: yes.
Comment: This variant is classified as Pathogenic. Evidence in support of pathogenic classification: Variant is predicted to cause nonsense-mediated decay (NMD) and loss of protein (premature termination codon is located at least 54 nucleotides upstream of the final exon-exon junction); Variant is absent from gnomAD (v2, v3 and v4); Other NMD-predicted variant(s) comparable to the one identified in this case have strong previous evidence for pathogenicity. NMD-predicted variants have been observed in multiple compound heterozygous or homozygous individuals, and one heterozygous individual with no second hit identified (ClinVar, personal communication, PMID: 34054129, 34415653, VCGS internal database). Additional information: This variant is heterozygous; This gene is associated with both recessive and dominant disease (PMID: 34054129); This variant has no previous evidence of pathogenicity; No published segregation evidence has been identified for this variant; No published functional evidence has been identified for this variant; Loss of function is a known mechanism of disease in this gene and is associated with Dworschak-Punetha neurodevelopmental syndrome (MIM#619955). However, some monoallelic missense variants have been suggested to have a dominant negative effect (PMID: 34054129).

Literature cited by the submitters: PubMed 34054129; PubMed 34415653.

NM_032242.4(PLXNA1):c.1517del (p.Gln506fs)

Gene: PLXNA1 (plexin A1; plus strand). Cytogenetic location: 3q21.3.
Variant type: Deletion.
Coding change: c.1517del on transcript NM_032242.4 (MANE Select); coding-DNA position 1517, one base deleted (A; older notation c.1517delA).
Protein change: p.Gln506fs; shifts the reading frame from glutamine 506.
Molecular consequence: frameshift variant.
Genome position (GRCh38, 1-based): chr3:127,003,469, A deleted. VCF-style (leftmost placement, unchanged base first): chr3-127003468-CA-C. GRCh37 (hg19) VCF-style: chr3-126722311-CA-C.
Other names: short protein forms Q506fs.
Identifiers: ClinVar variation 4531875 (VCV004531875.1).